The following is an entry in ClinVar:

NM_213622.4(STAMBP):c.34G>A (p.Glu12Lys)

Genes: STAMBP (STAM binding protein; plus strand), LOC126806253 (CDK7 strongly-dependent group 2 enhancer GRCh37_chr2:74057585-74058784; plus strand). Cytogenetic location: 2p13.1.
Variant type: single nucleotide variant.
Coding change: c.34G>A on transcript NM_213622.4 (MANE Select); coding-DNA position 34, G replaced by A.
Protein change: p.Glu12Lys; replaces glutamic acid 12 with lysine.
Molecular consequence: missense variant. On other transcripts: 5 prime UTR variant (5), non-coding transcript variant (4), intron variant (1).
Genome position (GRCh38, 1-based): chr2:73,830,890, G>A. VCF-style: chr2-73830890-G-A. GRCh37 (hg19) VCF-style: chr2-74058017-G-A.
Other names: c.34G>A, p.Glu12Lys (NM_001353967.2, NM_001353968.2, NM_001353969.2 and 3 more transcripts); c.-520G>A (NM_001353971.2, NM_001353973.2, NM_001353974.2 and 2 more transcripts); c.-203+1894G>A (NM_001353972.2); short protein forms E12K.
Identifiers: ClinVar variation 1936077 (VCV001936077.4), dbSNP rs375857232, ClinGen allele CA50394852.
Genomic context (GRCh38, chr2:73,830,890, plus strand): 5'-TTTTTTCTGTCTCAGAACTTGGTCCTGATGTCTGACCATGGAGATGTGAGCCTCCCGCCC[G>A]AAGACCGGGTGAGGGCTCTCTCCCAGCTGGGTAGTGCGGTAGAGGTGAATGAAGACATTC-3'
Protein context (NP_998787.1, residues 2-22): SDHGDVSLPP[Glu12Lys]DRVRALSQLG

ClinVar aggregate classification (germline): Uncertain significance (1 of 4 stars; one submission).

Allele frequency attached by ClinVar (database versions not stated): gnomAD exomes 0.00001; TOPMed 0.00002; gnomAD 0.00003; ESP Exome Variant Server 0.00008.
gnomAD v4.1: 11 of 1,613,564 alleles (0.00068%); highest among the groups gnomAD compares: African/African-American, 0.0053%; no homozygotes.

Submission:

Labcorp Genetics (formerly Invitae), Labcorp
Classification: Uncertain significance. Last evaluated: 2022-07-19. Review status: criteria provided, single submitter. Criteria: Invitae Variant Classification Sherloc (09022015). Collection method: clinical testing. Allele origin: germline.
Comment: In summary, the available evidence is currently insufficient to determine the role of this variant in disease. Therefore, it has been classified as a Variant of Uncertain Significance. Algorithms developed to predict the effect of missense changes on protein structure and function are either unavailable or do not agree on the potential impact of this missense change (SIFT: "Deleterious"; PolyPhen-2: "Benign"; Align-GVGD: "Class C0"). This variant has not been reported in the literature in individuals affected with STAMBP-related conditions. This variant is present in population databases (rs375857232, gnomAD 0.007%). This sequence change replaces glutamic acid, which is acidic and polar, with lysine, which is basic and polar, at codon 12 of the STAMBP protein (p.Glu12Lys).